The following is an entry in ClinVar:

NC_000018.10:g.66182443_66199550dup

Variant type: Duplication.
Identifiers: ClinVar variation 157417 (VCV000157417.2).

ClinVar aggregate classification (germline): not provided (0 of 4 stars; one submission).

Conditions:
Preeclampsia. Identifiers: Orphanet 275555, MedGen C0032914, MONDO:0005081, HP:0100602.

Submission:

Institute of Molecular and Cell Biology, University of Tartu
No classification provided. Condition: Preeclampsia. Review status: no classification provided. Collection method: case-control. Allele origin: unknown. Affected: yes. Study: Kasak2014.
Comment: The study aimed to determine the contribution of copy number variants in the genetic etiology of normal and complicated pregnancies. The samples represented (i) maternal blood DNA drawn from healthy pregnant women during 1st or 2nd trimester and (ii) maternal and paternal blood DNA drawn at term pregnancy cases representing normal and complicated gestations (severe preeclampsia, PE; gestational diabetes, GD; small-for-gestational age newborn, SGA; large-for-gestational age newborn, LGA). We performed CNV calling based on genome-wide genotyping dataset (Illumina HumanOmniExpress-24-v1 BeadChip) by applying three algorithms, QuantiSNP, GADA (Genome Alteration Detection Algorithm) and CNstream in parallel. The acquired CNV calls were merged with HD-CNV (Hotspot Detector for Copy Number Variants) program and only the CNVs predicted by at least two programs, were considered in subsequent analysis.

Literature cited by the submitters: PubMed 25666259.